The following is an entry in ClinVar:

ClinVar aggregate classification (germline): Uncertain significance. Review status: reviewed by expert panel (3 of 4 stars). 2 submissions from 2 submitters: Uncertain significance (1). 1 of the submissions does not count toward it. Last evaluated 2025-01-15.

Conditions:
Hereditary thrombocytopenia and hematologic cancer predisposition syndrome. Identifiers: Orphanet 71290, MedGen CN281654, MONDO:0011071.
Hereditary thrombocytopenia and hematological cancer predisposition syndrome associated with RUNX1. Also called: Familial Platelet Disorder with Propensity to Acute Myelogenous Leukemia; Familial thrombocytopenia with propensity to acute myelogenous leukemia; PLATELET DISORDER, ASPIRIN-LIKE; RUNX1 Familial Platelet Disorder with Associated Myeloid Malignancies. Identifiers: Orphanet 71290, MedGen C1832388, MeSH C563324, MONDO:0100083, OMIM 601399.

Submissions (2):

ClinGen Myeloid Malignancy Variant Curation Expert Panel
Classification: Uncertain significance for Hereditary thrombocytopenia and hematologic cancer predisposition syndrome. Last evaluated: 2025-01-15. Review status: reviewed by expert panel. Criteria: ClinGen MyeloMalig ACMG Specifications v2. Collection method: curation. Allele origin: germline. Inheritance: Autosomal dominant inheritance.
Comment: NM_001754.5(RUNX1):c.451A>T (p.Met151Leu) is a missense variant which is completely absent from all population databases with at least 20x coverage for RUNX1 (PM2_supporting). This missense variant is located within the Runt Homology Domain (AA 89-204) but does not occur in an established hotspot residue (PM1_supporting). In summary, the clinical significance of this variant is uncertain. ACMG/AMP criteria applied, as specified by the Myeloid Malignancy Variant Curation Expert Panel for RUNX1: PM1_supporting, PM2_supporting.

Labcorp Genetics (formerly Invitae), Labcorp
Classification: Uncertain significance for Hereditary thrombocytopenia and hematological cancer predisposition syndrome associated with RUNX1. Last evaluated: 2022-04-08. Review status: criteria provided, single submitter. Criteria: Invitae Variant Classification Sherloc (09022015). Collection method: clinical testing. Allele origin: germline. Not counted in ClinVar's aggregate classification.
Comment: In summary, the available evidence is currently insufficient to determine the role of this variant in disease. Therefore, it has been classified as a Variant of Uncertain Significance. Algorithms developed to predict the effect of missense changes on protein structure and function (SIFT, PolyPhen-2, Align-GVGD) all suggest that this variant is likely to be tolerated. This missense change has been observed in individual(s) with glioblastoma (PMID: 32570879). This variant is not present in population databases (gnomAD no frequency). This sequence change replaces methionine, which is neutral and non-polar, with leucine, which is neutral and non-polar, at codon 151 of the RUNX1 protein (p.Met151Leu).

Literature cited by the submitters: PubMed 32570879 (cited by Labcorp Genetics (formerly Invitae), Labcorp).

NM_001754.5(RUNX1):c.451A>T (p.Met151Leu)

Genes: RUNX1 (RUNX family transcription factor 1; minus strand), RUNX1-AS1 (RUNX1 antisense RNA 1; plus strand). Cytogenetic location: 21q22.12.
Variant type: single nucleotide variant.
Coding change: c.451A>T on transcript NM_001754.5 (MANE Select); coding-DNA position 451, A replaced by T.
Protein change: p.Met151Leu; replaces methionine 151 with leucine.
Molecular consequence: missense variant.
Genome position (GRCh38, 1-based): chr21:34,880,614, T>A on the plus strand (A>T on the coding strand, the complement: RUNX1 is on the minus strand). VCF-style: chr21-34880614-T-A. GRCh37 (hg19) VCF-style: chr21-36252911-T-A.
Other names: NM_001754.5(RUNX1):c.451A>T; p.Met151Leu; c.370A>T, p.Met124Leu (NM_001001890.3, NM_001122607.2); short protein forms M151L, M124L.
Identifiers: ClinVar variation 2099170 (VCV002099170.5), dbSNP rs781461238, ClinGen allele CA410202584.